The following is an entry in ClinVar:

ClinVar aggregate classification (germline): Likely pathogenic (1 of 4 stars; one submission).

Conditions:
Lamellar ichthyosis. Identifiers: Orphanet 313, MedGen C5848247, MONDO:0017778.

Submission:

Women's Health and Genetics/Laboratory Corporation of America, LabCorp
Classification: Likely pathogenic for Lamellar ichthyosis. Last evaluated: 2023-03-30. Review status: criteria provided, single submitter. Criteria: LabCorp Variant Classification Summary - May 2015. Collection method: clinical testing. Allele origin: germline.
Comment: Variant summary: ABCA12 c.6781_6782dupAA (p.Thr2262ArgfsX11) results in a premature termination codon, predicted to cause a truncation of the encoded protein or absence of the protein due to nonsense mediated decay, which are commonly known mechanisms for disease. At least one truncation downstream of this position has been classified as pathogenic by our laboratory. The variant was absent in 251440 control chromosomes (gnomAD). To our knowledge, no occurrence of c.6781_6782dupAA in individuals affected with Lamellar Ichthyosis and no experimental evidence demonstrating its impact on protein function have been reported. No clinical diagnostic laboratories have submitted clinical-significance assessments for this variant to ClinVar after 2014. Based on the evidence outlined above, the variant was classified as likely pathogenic.

NM_173076.3(ABCA12):c.6781_6782dup (p.Thr2262fs)

Genes: ABCA12 (ATP binding cassette subfamily A member 12; minus strand), SNHG31 (small nucleolar RNA host gene 31; plus strand). Cytogenetic location: 2q35.
Variant type: Duplication.
Coding change: c.6781_6782dup on transcript NM_173076.3 (MANE Select); coding-DNA positions 6781 to 6782, 2 bases duplicated (AA; older notation c.6781_6782dupAA).
Protein change: p.Thr2262fs; shifts the reading frame from threonine 2262.
Molecular consequence: frameshift variant. On other transcripts: non-coding transcript variant (1).
Genome position (GRCh38, 1-based): chr2:214,950,949-214,950,950, TT duplicated on the plus strand (AA on the coding strand, the reverse complement: ABCA12 is on the minus strand); duplicating any 2 consecutive bases within chr2:214,950,949-214,950,951 gives the same sequence; the c. name uses the placement nearest the transcript's 3' end. VCF-style (leftmost placement, unchanged base first): chr2-214950948-C-CTT. GRCh37 (hg19) VCF-style: chr2-215815672-C-CTT.
Other names: c.5827_5828dup, p.Thr1944fs (NM_015657.4); short protein forms T1944fs, T2262fs.
Identifiers: ClinVar variation 2501013 (VCV002501013.1), dbSNP rs2469146553, ClinGen allele CA2580616681.